The following is an entry in ClinVar:

ClinVar aggregate classification (germline): Uncertain significance (1 of 4 stars; one submission).

Conditions:
Inborn genetic diseases. Identifiers: MedGen C0950123, MeSH D030342.

Submission:

Ambry Genetics
Classification: Uncertain significance for Inborn genetic diseases. Last evaluated: 2024-11-26. Review status: criteria provided, single submitter. Criteria: Ambry Variant Classification Scheme 2023. Collection method: clinical testing. Allele origin: germline.
Comment: The p.M116R variant (also known as c.347T>G), located in coding exon 3 of the G6PC3 gene, results from a T to G substitution at nucleotide position 347. The methionine at codon 116 is replaced by arginine, an amino acid with similar properties. This amino acid position is conserved. In addition, this alteration is predicted to be deleterious by in silico analysis. Based on the available evidence, the clinical significance of this variant remains unclear.

NM_138387.4(G6PC3):c.347T>G (p.Met116Arg)

Gene: G6PC3 (glucose-6-phosphatase catalytic subunit 3; plus strand). Cytogenetic location: 17q21.31.
Variant type: single nucleotide variant.
Coding change: c.347T>G on transcript NM_138387.4 (MANE Select); coding-DNA position 347, T replaced by G.
Protein change: p.Met116Arg; replaces methionine 116 with arginine.
Molecular consequence: missense variant. On other transcripts: initiator codon variant (4).
Genome position (GRCh38, 1-based): chr17:44,074,701, T>G. VCF-style: chr17-44074701-T-G. GRCh37 (hg19) VCF-style: chr17-42152069-T-G.
Other names: c.347T>G, p.Met116Arg (NM_001319945.2); c.2T>G, p.Met1Arg (NM_001384165.1, NM_001384166.1, NM_001384167.1 and 1 more transcripts); short protein forms M116R, M1R.
Identifiers: ClinVar variation 3518062 (VCV003518062.1).